The following is an entry in ClinVar:

NM_014003.4(DHX38):c.436G>A (p.Ala146Thr)

Gene: DHX38 (DEAH-box helicase 38; plus strand). Cytogenetic location: 16q22.2.
Variant type: single nucleotide variant.
Coding change: c.436G>A on transcript NM_014003.4 (MANE Select); coding-DNA position 436, G replaced by A.
Protein change: p.Ala146Thr; replaces alanine 146 with threonine.
Molecular consequence: missense variant.
Genome position (GRCh38, 1-based): chr16:72,096,934, G>A. VCF-style: chr16-72096934-G-A. GRCh37 (hg19) VCF-style: chr16-72130833-G-A.
Other names: short protein forms A146T.
Identifiers: ClinVar variation 840929 (VCV000840929.9), dbSNP rs1387789860, ClinGen allele CA396701028.

ClinVar aggregate classification (germline): Uncertain significance (1 of 4 stars; one submission).

gnomAD v4.1: 2 of 1,614,090 alleles (0.00012%); highest among the groups gnomAD compares: Non-Finnish European, 0.00017%; no homozygotes.

Submission:

Labcorp Genetics (formerly Invitae), Labcorp
Classification: Uncertain significance. Last evaluated: 2019-11-27. Review status: criteria provided, single submitter. Criteria: Invitae Variant Classification Sherloc (09022015). Collection method: clinical testing. Allele origin: germline.
Comment: In summary, the available evidence is currently insufficient to determine the role of this variant in disease. Therefore, it has been classified as a Variant of Uncertain Significance. Algorithms developed to predict the effect of missense changes on protein structure and function are either unavailable or do not agree on the potential impact of this missense change (SIFT: "Deleterious"; PolyPhen-2: "Possibly Damaging"; Align-GVGD: "Class C0"). This variant has not been reported in the literature in individuals with DHX38-related conditions. This variant is not present in population databases (ExAC no frequency). This sequence change replaces alanine with threonine at codon 146 of the DHX38 protein (p.Ala146Thr). The alanine residue is highly conserved and there is a small physicochemical difference between alanine and threonine.